The following is an entry in ClinVar:

NM_018136.5(ASPM):c.7761T>G (p.Tyr2587Ter)

Gene: ASPM (assembly factor for spindle microtubules; minus strand). Cytogenetic location: 1q31.3.
Variant type: single nucleotide variant.
Coding change: c.7761T>G on transcript NM_018136.5 (MANE Select); coding-DNA position 7761, T replaced by G.
Protein change: p.Tyr2587Ter; replaces tyrosine 2587 with a stop codon.
Molecular consequence: nonsense. On other transcripts: intron variant (1).
Genome position (GRCh38, 1-based): chr1:197,101,490, A>C on the plus strand (T>G on the coding strand, the complement: ASPM is on the minus strand). VCF-style: chr1-197101490-A-C. GRCh37 (hg19) VCF-style: chr1-197070620-A-C.
Other names: 7761T-G; c.4066-5326T>G (NM_001206846.2); short protein forms Y2587*.
Identifiers: ClinVar variation 4958 (VCV000004958.4), dbSNP rs189678019, ClinGen allele CA340322.
Genomic context (GRCh38, chr1:197,101,490, plus strand): 5'-ACAAGTCTCTTTCTTAAGTTCATTGTGTTGAAATACTTTCTGTTTCTTTTTATTTGCTCT[A>C]TATTTTTCTTGTATGATTTTTGTAGCCCACTGAAGCTTTTGGTAGAAACAATACTGCCTA-3'

ClinVar aggregate classification (germline): Pathogenic. Review status: criteria provided, single submitter (1 of 4 stars). 3 submissions from 3 submitters: Pathogenic (1). 2 of the submissions do not count toward it. Last evaluated 2022-05-22.

Conditions:
Microcephaly 5, primary, autosomal recessive (MCPH5). Also called: ASPM Primary Microcephaly. Identifiers: Orphanet 2512, MedGen C1837501, MONDO:0012106, OMIM 608716.

Submissions (3):

3billion
Classification: Pathogenic for Microcephaly 5, primary, autosomal recessive. Last evaluated: 2022-05-22. Review status: criteria provided, single submitter. Criteria: ACMG Guidelines, 2015. Collection method: clinical testing. Allele origin: germline. Affected: yes. Observed: 1 homozygote.
Comment: The variant is not observed in the gnomAD v2.1.1 dataset. Stop-gained (nonsense): predicted to result in a loss or disruption of normal protein function through nonsense-mediated decay (NMD) or protein truncation. Multiple pathogenic variants are reported downstream of the variant. The variant has been reported at least twice as pathogenic without evidence for the classification (ClinVar ID: VCV000004958). Therefore, this variant is classified as pathogenic according to the recommendation of ACMG/AMP guideline.

OMIM
Classification: Pathogenic for MICROCEPHALY 5, PRIMARY, AUTOSOMAL RECESSIVE. Last evaluated: 2002-10-01. Review status: no assertion criteria provided. Collection method: literature only. Allele origin: germline. Not counted in ClinVar's aggregate classification.

GeneReviews
No classification provided. Condition: Microcephaly 5, primary, autosomal recessive. Review status: no classification provided. Collection method: literature only. Allele origin: unknown. Not counted in ClinVar's aggregate classification.

Literature cited by the submitters: PubMed 12355089 (cited by OMIM); PubMed 20301772 (cited by GeneReviews); NCBI Bookshelf NBK9587 (cited by GeneReviews).